The following is an entry in ClinVar:

NM_001130987.2(DYSF):c.2398del (p.Leu800fs)

Gene: DYSF (dysferlin; plus strand). Cytogenetic location: 2p13.2.
Variant type: Deletion.
Coding change: c.2398del on transcript NM_001130987.2 (MANE Select); coding-DNA position 2398, one base deleted (C; older notation c.2398delC).
Protein change: p.Leu800fs; shifts the reading frame from leucine 800.
Molecular consequence: frameshift variant.
Genome position (GRCh38, 1-based): chr2:71,561,933, C deleted; the last of 3 consecutive C bases (chr2:71,561,931-71,561,933); deleting any one gives the same sequence. VCF-style (leftmost placement, unchanged base first): chr2-71561930-GC-G. GRCh37 (hg19) VCF-style: chr2-71789060-GC-G.
Other names: c.2347del, p.Leu783fs (NM_001130455.2, NM_001130983.2); c.2302del, p.Leu768fs (NM_001130976.2, NM_001130977.2); c.2344del, p.Leu782fs (NM_001130978.2, NM_003494.4); c.2437del, p.Leu813fs (NM_001130979.2); c.2395del, p.Leu799fs (NM_001130980.2, NM_001130981.2); c.2440del, p.Leu814fs (NM_001130982.2); c.2305del, p.Leu769fs (NM_001130984.2, NM_001130986.2); c.2398del, p.Leu800fs (NM_001130985.2); short protein forms L782fs, L783fs, L813fs, L814fs, L799fs, L800fs, L768fs, L769fs.
Identifiers: ClinVar variation 2820418 (VCV002820418.3), dbSNP rs2545754011, ClinGen allele CA2739271026.

ClinVar aggregate classification (germline): Pathogenic (1 of 4 stars; one submission).

Conditions:
Neuromuscular disease caused by qualitative or quantitative defects of dysferlin. Also called: Dysferlinopathy; Qualitative or quantitative defects of dysferlin. Identifiers: Orphanet 207073, MedGen C2931687, MONDO:0016145.

Submission:

Labcorp Genetics (formerly Invitae), Labcorp
Classification: Pathogenic for Neuromuscular disease caused by qualitative or quantitative defects of dysferlin. Last evaluated: 2022-12-12. Review status: criteria provided, single submitter. Criteria: Invitae Variant Classification Sherloc (09022015). Collection method: clinical testing. Allele origin: germline.
Comment: For these reasons, this variant has been classified as Pathogenic. This variant has not been reported in the literature in individuals affected with DYSF-related conditions. This variant is not present in population databases (gnomAD no frequency). This sequence change creates a premature translational stop signal (p.Leu782Trpfs*55) in the DYSF gene. It is expected to result in an absent or disrupted protein product. Loss-of-function variants in DYSF are known to be pathogenic (PMID: 17698709, 20301480).

Literature cited by the submitters: PubMed 17698709; PubMed 20301480.